The following is an entry in ClinVar:

NM_000256.3(MYBPC3):c.3653_3654delinsTG (p.Gly1218Val)

Gene: MYBPC3 (myosin binding protein C3; minus strand). Cytogenetic location: 11p11.2.
Variant type: Indel.
Coding change: c.3653_3654delinsTG on transcript NM_000256.3 (MANE Select); coding-DNA positions 3653 to 3654, GC replaced by TG.
Protein change: p.Gly1218Val; replaces glycine 1218 with valine.
Molecular consequence: missense variant.
Genome position (GRCh38, 1-based): chr11:47,332,232-47,332,233, GC replaced by CA on the plus strand (GC replaced by TG on the coding strand, the reverse complement: MYBPC3 is on the minus strand). VCF-style: chr11-47332232-GC-CA. GRCh37 (hg19) VCF-style: chr11-47353783-GC-CA.
Other names: short protein forms G1218V.
Identifiers: ClinVar variation 3894050 (VCV003894050.1).

ClinVar aggregate classification (germline): Uncertain significance (1 of 4 stars; one submission).

Conditions:
Cardiomyopathy (CMYO). Also called: Cardiomyopathies. Identifiers: Orphanet 167848, MedGen C0878544, MONDO:0004994, HP:0001638. Inheritance: Various modes of inheritance.

Submission:

Color Diagnostics, LLC DBA Color Health
Classification: Uncertain significance for Cardiomyopathy. Last evaluated: 2024-09-23. Review status: criteria provided, single submitter. Criteria: ACMG Guidelines, 2015. Collection method: clinical testing. Allele origin: germline.
Comment: This missense variant replaces glycine with valine at codon 1218 of the MYBPC3 protein. To our knowledge, functional studies have not been reported for this variant. This variant has not been reported in individuals affected with MYBPC3-related disorders in the literature. This variant has not been identified in the general population by the Genome Aggregation Database (gnomAD). The available evidence is insufficient to determine the role of this variant in disease conclusively. Therefore, this variant is classified as a Variant of Uncertain Significance.